The following is an entry in ClinVar:

NM_015271.5(TRIM2):c.1087C>T (p.Arg363Trp)

Gene: TRIM2 (tripartite motif containing 2; plus strand). Cytogenetic location: 4q31.3.
Variant type: single nucleotide variant.
Coding change: c.1087C>T on transcript NM_015271.5 (MANE Select); coding-DNA position 1087, C replaced by T.
Protein change: p.Arg363Trp; replaces arginine 363 with tryptophan.
Molecular consequence: missense variant.
Genome position (GRCh38, 1-based): chr4:153,295,613, C>T. VCF-style: chr4-153295613-C-T. GRCh37 (hg19) VCF-style: chr4-154216765-C-T.
Other names: c.1006C>T, p.Arg336Trp (NM_001130067.2, NM_001351056.2); c.1060C>T, p.Arg354Trp (NM_001351054.2); c.1057C>T, p.Arg353Trp (NM_001351055.2); c.631C>T, p.Arg211Trp (NM_001351057.2); short protein forms R353W, R211W, R363W, R336W, R354W.
Identifiers: ClinVar variation 650864 (VCV000650864.8), dbSNP rs768541205, ClinGen allele CA3108685.

ClinVar aggregate classification (germline): Uncertain significance (1 of 4 stars; one submission).

Conditions:
Charcot-Marie-Tooth disease type 2R. Also called: Charcot-Marie-Tooth disease, axonal, type 2R; CHARCOT-MARIE-TOOTH DISEASE, AXONAL, AUTOSOMAL RECESSIVE, TYPE 2R; CHARCOT-MARIE-TOOTH NEUROPATHY, TYPE 2R. Identifiers: Orphanet 397968, MedGen C3809655, MONDO:0014208, OMIM 615490.

Allele frequency attached by ClinVar (database versions not stated): gnomAD below 0.00001 and 0.00001; gnomAD exomes 0.00001 and 0.00002; ExAC 0.00003.
gnomAD v4.1: 16 of 1,613,782 alleles (0.00099%); highest among the groups gnomAD compares: South Asian, 0.012%; no homozygotes.

Submission:

Labcorp Genetics (formerly Invitae), Labcorp
Classification: Uncertain significance for Charcot-Marie-Tooth disease type 2R. Last evaluated: 2023-11-04. Review status: criteria provided, single submitter. Criteria: Invitae Variant Classification Sherloc (09022015). Collection method: clinical testing. Allele origin: germline.
Comment: This sequence change replaces arginine, which is basic and polar, with tryptophan, which is neutral and slightly polar, at codon 336 of the TRIM2 protein (p.Arg336Trp). This variant is present in population databases (rs768541205, gnomAD 0.02%). This variant has not been reported in the literature in individuals affected with TRIM2-related conditions. ClinVar contains an entry for this variant (Variation ID: 650864). An algorithm developed to predict the effect of missense changes on protein structure and function (PolyPhen-2) suggests that this variant is likely to be disruptive. In summary, the available evidence is currently insufficient to determine the role of this variant in disease. Therefore, it has been classified as a Variant of Uncertain Significance.